The following is an entry in ClinVar:

NM_003482.4(KMT2D):c.6264del (p.Lys2089fs)

Gene: KMT2D (lysine methyltransferase 2D; minus strand). Cytogenetic location: 12q13.12.
Variant type: Deletion.
Coding change: c.6264del on transcript NM_003482.4 (MANE Select); coding-DNA position 6264, one base deleted (C; older notation c.6264delC).
Protein change: p.Lys2089fs; shifts the reading frame from lysine 2089.
Molecular consequence: frameshift variant.
Genome position (GRCh38, 1-based): chr12:49,041,506, G deleted on the plus strand (C on the coding strand, the reverse complement: KMT2D is on the minus strand); the first of 2 consecutive G bases (chr12:49,041,506-49,041,507); deleting either gives the same sequence. VCF-style (leftmost placement, unchanged base first): chr12-49041505-TG-T. GRCh37 (hg19) VCF-style: chr12-49435288-TG-T.
Other names: c.6264delC (NM_003482.3); short protein forms K2089fs.
Identifiers: ClinVar variation 463019 (VCV000463019.1), dbSNP rs1555192996, ClinGen allele CA658658145.

ClinVar aggregate classification (germline): Pathogenic (1 of 4 stars; one submission).

Conditions:
Kabuki syndrome. Also called: Kabuki make-up syndrome; NIIKAWA-KUROKI SYNDROME. Identifiers: Orphanet 2322, MedGen C0796004, MONDO:0016512.

Submission:

Labcorp Genetics (formerly Invitae), Labcorp
Classification: Pathogenic for Kabuki syndrome. Last evaluated: 2017-06-29. Review status: criteria provided, single submitter. Criteria: Invitae Variant Classification Sherloc (09022015). Collection method: clinical testing. Allele origin: germline.
Comment: This sequence change creates a premature translational stop signal (p.Lys2089Argfs*5) in the KMT2D gene. It is expected to result in an absent or disrupted protein product. This variant is not present in population databases (ExAC no frequency). This variant has not been reported in the literature in individuals with a KMT2D-related disease. Loss-of-function variants in KMT2D are known to be pathogenic (PMID: 22126750). For these reasons, this variant has been classified as Pathogenic.